The following is an entry in ClinVar:

NM_000384.3(APOB):c.8313A>T (p.Leu2771Phe)

Gene: APOB (apolipoprotein B; minus strand). Cytogenetic location: 2p24.1.
Variant type: single nucleotide variant.
Coding change: c.8313A>T on transcript NM_000384.3 (MANE Select); coding-DNA position 8313, A replaced by T.
Protein change: p.Leu2771Phe; replaces leucine 2771 with phenylalanine.
Molecular consequence: missense variant.
Genome position (GRCh38, 1-based): chr2:21,008,555, T>A on the plus strand (A>T on the coding strand, the complement: APOB is on the minus strand). VCF-style: chr2-21008555-T-A. GRCh37 (hg19) VCF-style: chr2-21231427-T-A.
Other names: c.8313A>T (NM_000384.2); short protein forms L2771F.
Identifiers: ClinVar variation 1937135 (VCV001937135.7), dbSNP rs1663215196, ClinGen allele CA345994591.

ClinVar aggregate classification (germline): Uncertain significance. Review status: criteria provided, multiple submitters, no conflicts (2 of 4 stars). 3 submissions from 3 submitters: Uncertain significance (3). Last evaluated 2026-07-31.

Conditions:
Cardiovascular phenotype. Identifiers: MedGen CN230736.
Familial hypobetalipoproteinemia 1. Also called: Hypobetalipoproteinemia, normotriglyceridemic; APOB-Related Familial Hypobetalipoproteinemia; Acanthocytosis with hypobetalipoproteinemia. Identifiers: MedGen C4551990, MONDO:0014252, OMIM 615558.
Hypercholesterolemia, autosomal dominant, type B (FHCL2). Also called: Familial Hypercholesterolemia Type B; APOLIPOPROTEIN B-100, FAMILIAL DEFECTIVE; APOLIPOPROTEIN B-100, FAMILIAL LIGAND-DEFECTIVE; Hyperlipoproteinemia Type IIb; Familial hypercholesterolemia 2; HYPERCHOLESTEROLEMIA, FAMILIAL, DUE TO LIGAND-DEFECTIVE APOLIPOPROTEIN B. Identifiers: MedGen C1704417, MONDO:0007751, OMIM 144010.

Allele frequency attached by ClinVar (database versions not stated): TOPMed below 0.00001.

Submissions (3):

Ambry Genetics
Classification: Uncertain significance for Cardiovascular phenotype. Last evaluated: 2026-07-31. Review status: criteria provided, single submitter. Criteria: Ambry Variant Classification Scheme 2023. Collection method: clinical testing. Allele origin: germline.
Comment: The p.L2771F variant (also known as c.8313A>T), located in coding exon 26 of the APOB gene, results from an A to T substitution at nucleotide position 8313. The leucine at codon 2771 is replaced by phenylalanine, an amino acid with highly similar properties. This amino acid position is conserved. In addition, this alteration is predicted to be tolerated by in silico analysis. Based on the available evidence, the clinical significance of this variant remains unclear.

GeneDx
Classification: Uncertain significance. Last evaluated: 2025-03-02. Review status: criteria provided, single submitter. Criteria: GeneDx Variant Classification Process June 2021. Collection method: clinical testing. Allele origin: germline. Affected: yes.
Comment: Not observed at significant frequency in large population cohorts (gnomAD); In silico analysis supports that this missense variant has a deleterious effect on protein structure/function; Has not been previously published as pathogenic or benign to our knowledge

Labcorp Genetics (formerly Invitae), Labcorp
Classification: Uncertain significance for Familial hypobetalipoproteinemia 1; Hypercholesterolemia, autosomal dominant, type B. Last evaluated: 2022-09-25. Review status: criteria provided, single submitter. Criteria: Invitae Variant Classification Sherloc (09022015). Collection method: clinical testing. Allele origin: germline.
Comment: This sequence change replaces leucine, which is neutral and non-polar, with phenylalanine, which is neutral and non-polar, at codon 2771 of the APOB protein (p.Leu2771Phe). This variant is not present in population databases (gnomAD no frequency). This variant has not been reported in the literature in individuals affected with APOB-related conditions. Advanced modeling of protein sequence and biophysical properties (such as structural, functional, and spatial information, amino acid conservation, physicochemical variation, residue mobility, and thermodynamic stability) performed at Invitae indicates that this missense variant is not expected to disrupt APOB protein function. In summary, the available evidence is currently insufficient to determine the role of this variant in disease. Therefore, it has been classified as a Variant of Uncertain Significance.